The following is an entry in ClinVar:

NM_000264.5(PTCH1):c.3000C>A (p.Asn1000Lys)

Gene: PTCH1 (patched 1; minus strand). Cytogenetic location: 9q22.32.
Variant type: single nucleotide variant.
Coding change: c.3000C>A on transcript NM_000264.5 (MANE Select); coding-DNA position 3000, C replaced by A.
Protein change: p.Asn1000Lys; replaces asparagine 1000 with lysine.
Molecular consequence: missense variant. On other transcripts: non-coding transcript variant (1).
Genome position (GRCh38, 1-based): chr9:95,458,181, G>T on the plus strand (C>A on the coding strand, the complement: PTCH1 is on the minus strand). VCF-style: chr9-95458181-G-T. GRCh37 (hg19) VCF-style: chr9-98220463-G-T.
Other names: c.2997C>A, p.Asn999Lys (NM_001083603.3); c.2547C>A, p.Asn849Lys (NM_001083604.3, NM_001083605.3, NM_001083606.3 and 1 more transcripts); c.2844C>A, p.Asn948Lys (NM_001354918.2); c.2802C>A, p.Asn934Lys (NM_001083602.3); short protein forms N1000K, N849K, N999K, N934K, N948K.
Identifiers: ClinVar variation 4146913 (VCV004146913.1).

ClinVar aggregate classification (germline): Uncertain significance (1 of 4 stars; one submission).

Conditions:
Hereditary cancer-predisposing syndrome. Also called: Hereditary neoplastic syndrome; Neoplastic Syndromes, Hereditary; Tumor predisposition; Hereditary Cancer Syndrome. Identifiers: Orphanet 140162, MedGen C0027672, MeSH D009386, MONDO:0015356.

Submission:

Ambry Genetics
Classification: Uncertain significance for Hereditary cancer-predisposing syndrome. Last evaluated: 2025-09-14. Review status: criteria provided, single submitter. Criteria: Ambry Variant Classification Scheme 2023. Collection method: clinical testing. Allele origin: germline.
Comment: The p.N1000K variant (also known as c.3000C>A), located in coding exon 18 of the PTCH1 gene, results from a C to A substitution at nucleotide position 3000. The asparagine at codon 1000 is replaced by lysine, an amino acid with similar properties. This amino acid position is conserved. In addition, this alteration is predicted to be tolerated by in silico analysis. Based on the available evidence, the clinical significance of this variant remains unclear.